The following is an entry in ClinVar:

NM_002336.3(LRP6):c.2109C>G (p.Gly703=)

Gene: LRP6 (LDL receptor related protein 6; minus strand). Cytogenetic location: 12p13.2.
Variant type: single nucleotide variant.
Coding change: c.2109C>G on transcript NM_002336.3 (MANE Select); coding-DNA position 2109, C replaced by G.
Protein change: p.Gly703=; no amino-acid change (glycine 703 retained).
Molecular consequence: synonymous variant. On other transcripts: non-coding transcript variant (1).
Genome position (GRCh38, 1-based): chr12:12,162,363, G>C on the plus strand (C>G on the coding strand, the complement: LRP6 is on the minus strand). VCF-style: chr12-12162363-G-C. GRCh37 (hg19) VCF-style: chr12-12315297-G-C.
Other names: c.2109C>G, p.Gly703= (NM_001414244.1, NM_001414245.1, NM_001414246.1 and 4 more transcripts); c.1911C>G, p.Gly637= (NM_001414247.1); c.1656C>G, p.Gly552= (NM_001414252.1, NM_001414253.1, NM_001414254.1); c.1602C>G, p.Gly534= (NM_001414255.1).
Identifiers: ClinVar variation 4988841 (VCV004988841.1).
Genomic context (GRCh38, chr12:12,162,363, plus strand): 5'-GTCTGCCCAGTACAAGTTCTTCCCAAGCCAGTCTACTGCCATGCCTTCTGGATAATCTAA[G>C]CCGAATTCTACCACATGTTCCAGTGCACTGCCATTCATAAAGGCTCTGCTGATGGTCTGC-3'
Protein context (NP_002327.2, residues 693-713): GSALEHVVEF[Gly703=]LDYPEGMAVD

ClinVar aggregate classification (germline): Likely benign (1 of 4 stars; one submission).

Conditions:
LRP6-related disorder. Also called: LRP6-related condition.

gnomAD v4.1: 15 of 1,614,012 alleles (0.00093%); highest among the groups gnomAD compares: Non-Finnish European, 0.0013%; no homozygotes.

Submission:

PreventionGenetics, part of Exact Sciences
Classification: Likely benign for LRP6-related condition. Last evaluated: 2026-03-15. Review status: criteria provided, single submitter. Criteria: ACMG Guidelines, 2015. Collection method: clinical testing. Allele origin: germline.
Comment: This variant is classified as likely benign based on ACMG/AMP sequence variant interpretation guidelines (Richards et al. 2015 PMID: 25741868, with internal and published modifications).